The following is an entry in ClinVar:

ClinVar aggregate classification (germline): Uncertain significance (1 of 4 stars; one submission).

Conditions:
Early-infantile DEE. Also called: Ohtahara syndrome; Early infantile epileptic encephalopathy with suppression bursts; Early infantile epileptic encephalopathy. Identifiers: Orphanet 1934, MedGen C0393706, MONDO:0800491.

Submission:

Labcorp Genetics (formerly Invitae), Labcorp
Classification: Uncertain significance for Early-infantile DEE. Last evaluated: 2024-02-17. Review status: criteria provided, single submitter. Criteria: Invitae Variant Classification Sherloc (09022015). Collection method: clinical testing. Allele origin: germline.
Comment: This sequence change replaces valine, which is neutral and non-polar, with phenylalanine, which is neutral and non-polar, at codon 1791 of the SCN1A protein (p.Val1791Phe). This variant is not present in population databases (gnomAD no frequency). This variant has not been reported in the literature in individuals affected with SCN1A-related conditions. ClinVar contains an entry for this variant (Variation ID: 1413862). Advanced modeling of protein sequence and biophysical properties (such as structural, functional, and spatial information, amino acid conservation, physicochemical variation, residue mobility, and thermodynamic stability) performed at Invitae indicates that this missense variant is expected to disrupt SCN1A protein function with a positive predictive value of 95%. In summary, the available evidence is currently insufficient to determine the role of this variant in disease. Therefore, it has been classified as a Variant of Uncertain Significance.

NM_001165963.4(SCN1A):c.5371G>T (p.Val1791Phe)

Genes: SCN1A (sodium voltage-gated channel alpha subunit 1; minus strand), LOC102724058 (uncharacterized LOC102724058; plus strand). Cytogenetic location: 2q24.3.
Variant type: single nucleotide variant.
Coding change: c.5371G>T on transcript NM_001165963.4 (MANE Select); coding-DNA position 5371, G replaced by T.
Protein change: p.Val1791Phe; replaces valine 1791 with phenylalanine.
Molecular consequence: missense variant. On other transcripts: non-coding transcript variant (1).
Genome position (GRCh38, 1-based): chr2:165,991,904, C>A on the plus strand (G>T on the coding strand, the complement: SCN1A is on the minus strand). VCF-style: chr2-165991904-C-A. GRCh37 (hg19) VCF-style: chr2-166848414-C-A.
Other names: c.5287G>T, p.Val1763Phe (NM_001165964.3, NM_001353957.2, NM_001353958.2); c.5371G>T, p.Val1791Phe (NM_001202435.3, NM_001353948.2); c.5338G>T, p.Val1780Phe (NM_001353949.2, NM_001353950.2, NM_001353951.2 and 2 more transcripts); c.5335G>T, p.Val1779Phe (NM_001353954.2, NM_001353955.2); c.5284G>T, p.Val1762Phe (NM_001353960.2); c.2929G>T, p.Val977Phe (NM_001353961.2); short protein forms V1763F, V1762F, V1791F, V1779F, V1780F, V977F.
Identifiers: ClinVar variation 1413862 (VCV001413862.7), dbSNP rs2105428742, ClinGen allele CA349067935.